The following is an entry in ClinVar:

NM_020320.5(RARS2):c.297+1G>T

Gene: RARS2 (arginyl-tRNA synthetase 2, mitochondrial; minus strand). Cytogenetic location: 6q15.
Variant type: single nucleotide variant.
Coding change: c.297+1G>T on transcript NM_020320.5 (MANE Select); the canonical splice donor site of the intron after coding-DNA position 297, G replaced by T.
Molecular consequence: splice donor variant.
Genome position (GRCh38, 1-based): chr6:87,562,701, C>A on the plus strand (G>T on the coding strand, the complement: RARS2 is on the minus strand). VCF-style: chr6-87562701-C-A. GRCh37 (hg19) VCF-style: chr6-88272419-C-A.
Other names: c.297+1G>T (NM_001350505.2, NM_020320.4); c.-173+1G>T (NM_001350509.2, NM_001318785.2); c.-229+1G>T (NM_001350506.2, NM_001350510.2, NM_001350511.2 and 1 more transcripts); c.-391+1G>T (NM_001350508.2).
Identifiers: ClinVar variation 2678248 (VCV002678248.5), dbSNP rs749630029, ClinGen allele CA142876643.
Genomic context (GRCh38, chr6:87,562,701, plus strand): 5'-ACCACTGTGGCTGAAGCAGACAGAATGAAAGCACAATGGCTGGATATTAACTTATTCTTA[C>A]CTTTGTTAAGAGCTCTCTGTTTATTTTGAAATTTACAGTCCTTTGACCAGTACTGATTTC-3'

ClinVar aggregate classification (germline): Pathogenic/Likely pathogenic. Review status: criteria provided, multiple submitters, no conflicts (2 of 4 stars). 3 submissions from 3 submitters: Pathogenic (1); Likely pathogenic (2). Last evaluated 2025-04-13.

Conditions:
Pontocerebellar hypoplasia type 6 (PCH6). Identifiers: Orphanet 166073, MedGen C1969084, MONDO:0012683, OMIM 611523.

gnomAD v4.1: 5 of 1,597,524 alleles (0.00031%); highest among the groups gnomAD compares: Non-Finnish European, 0.00043%; no homozygotes.

Submissions (3):

Natera, Inc.
Classification: Likely pathogenic for Pontocerebellar hypoplasia, type 6. Last evaluated: 2025-04-13. Review status: criteria provided, single submitter. Criteria: Natera Variant Classification Schema (03/2026). Collection method: clinical testing. Allele origin: germline.
Comment: The c.297+1G>T variant in RARS2 is a canonical splice donor site variant predicted to affect pre-mRNA splicing, which may result in an abnormal transcript and altered protein product. This variant is expected to result in nonsense mediated decay, truncation, or a dysfunctional protein product. This variant is rare in the general population with a frequency below the threshold expected for the associated phenotype(s). Given the available evidence, this variant is classified as Likely Pathogenic.

Baylor Genetics
Classification: Likely pathogenic for Pontocerebellar hypoplasia type 6. Last evaluated: 2023-08-05. Review status: criteria provided, single submitter. Criteria: ACMG Guidelines, 2015. Collection method: clinical testing. Allele origin: unknown.

Labcorp Genetics (formerly Invitae), Labcorp
Classification: Pathogenic. Last evaluated: 2023-04-16. Review status: criteria provided, single submitter. Criteria: Invitae Variant Classification Sherloc (09022015). Collection method: clinical testing. Allele origin: germline.
Comment: For these reasons, this variant has been classified as Pathogenic. Algorithms developed to predict the effect of sequence changes on RNA splicing suggest that this variant may disrupt the consensus splice site. Disruption of this splice site has been observed in individual(s) with pontocerebellar hypoplasia (PMID: 27683254). In at least one individual the data is consistent with being in trans (on the opposite chromosome) from a pathogenic variant. This variant is not present in population databases (gnomAD no frequency). This sequence change affects a donor splice site in intron 4 of the RARS2 gene. It is expected to disrupt RNA splicing. Variants that disrupt the donor or acceptor splice site typically lead to a loss of protein function (PMID: 16199547), and loss-of-function variants in RARS2 are known to be pathogenic (PMID: 17847012, 22569581, 26083569).

Literature cited by the submitters: PubMed 27683254 (cited by Labcorp Genetics (formerly Invitae), Labcorp); PubMed 16199547 (cited by Labcorp Genetics (formerly Invitae), Labcorp); PubMed 17847012 (cited by Labcorp Genetics (formerly Invitae), Labcorp); PubMed 22569581 (cited by Labcorp Genetics (formerly Invitae), Labcorp); PubMed 26083569 (cited by Labcorp Genetics (formerly Invitae), Labcorp).